The following is an entry in ClinVar:

NM_000208.4(INSR):c.1932A>C (p.Pro644=)

Gene: INSR (insulin receptor; minus strand). Cytogenetic location: 19p13.2.
Variant type: single nucleotide variant.
Coding change: c.1932A>C on transcript NM_000208.4 (MANE Select); coding-DNA position 1932, A replaced by C.
Protein change: p.Pro644=; no amino-acid change (proline 644 retained).
Molecular consequence: synonymous variant.
Genome position (GRCh38, 1-based): chr19:7,163,129, T>G on the plus strand (A>C on the coding strand, the complement: INSR is on the minus strand). VCF-style: chr19-7163129-T-G. GRCh37 (hg19) VCF-style: chr19-7163140-T-G.
Other names: c.1932A>C, p.Pro644= (NM_001079817.3).
Identifiers: ClinVar variation 330467 (VCV000330467.25), dbSNP rs2245655, ClinGen allele CA9135716.

ClinVar aggregate classification (germline): Benign. Review status: criteria provided, multiple submitters, no conflicts (2 of 4 stars). 8 submissions from 6 submitters: Benign (8). Last evaluated 2026-01-31.

Conditions:
Rabson-Mendenhall syndrome. Also called: Pineal Hyperplasia, Insulin-Resistant Diabetes Mellitus, and Somatic Abnormalities; MENDENHALL SYNDROME; Pineal hyperplasia AND diabetes mellitus syndrome. Identifiers: Orphanet 769, MedGen C0271695, MONDO:0009874, OMIM 262190.
Insulin-resistant diabetes mellitus AND acanthosis nigricans. Also called: type A insulin resistance; DIABETES MELLITUS, INSULIN-RESISTANT, WITH ACANTHOSIS NIGRICANS, TYPE A; INSULIN RECEPTOR, DEFECT IN, WITH INSULIN-RESISTANT DIABETES MELLITUS AND ACANTHOSIS NIGRICANS; IRAN, TYPE A; Insulin-resistance syndrome type A. Identifiers: Orphanet 2297, MedGen C0342278, MONDO:0012520, OMIM 610549.
Leprechaunism syndrome. Also called: LEPRECHAUNISM; Donohue syndrome. Identifiers: Orphanet 508, MedGen C0265344, MONDO:0009517, OMIM 246200.

Allele frequency attached by ClinVar (database versions not stated): gnomAD exomes 0.09848; ExAC 0.10557; ESP Exome Variant Server 0.12494; gnomAD 0.12535 and 0.12614; TOPMed 0.12982; 1000 Genomes Project 0.16074; 1000 Genomes Project 30x 0.16771.
gnomAD v4.1: 151,159 of 1,612,524 alleles (9.4%); highest among the groups gnomAD compares: African/African-American, 25%; 9,600 homozygotes.

Submissions (8):

Labcorp Genetics (formerly Invitae), Labcorp
Classification: Benign. Last evaluated: 2026-01-31. Review status: criteria provided, single submitter. Criteria: Invitae Variant Classification Sherloc (09022015). Collection method: clinical testing. Allele origin: germline.

Blueprint Genetics
Classification: Benign. Last evaluated: 2024-11-28. Review status: criteria provided, single submitter. Criteria: ACMG Guidelines, 2015. Collection method: clinical testing. Allele origin: germline.

GeneDx
Classification: Benign. Last evaluated: 2021-06-09. Review status: criteria provided, single submitter. Criteria: GeneDx Variant Classification Process June 2021. Collection method: clinical testing. Allele origin: germline. Affected: yes.

ARUP Laboratories, Molecular Genetics and Genomics, ARUP Laboratories
Classification: Benign. Last evaluated: 2021-01-14. Review status: criteria provided, single submitter. Criteria: ARUP Molecular Germline Variant Investigation Process 2021. Collection method: clinical testing. Allele origin: germline.

Illumina Laboratory Services, Illumina
Classification: Benign for Leprechaunism syndrome. Last evaluated: 2018-01-12. Review status: criteria provided, single submitter. Criteria: ICSL Variant Classification Criteria 13 December 2019. Collection method: clinical testing. Allele origin: germline.
Comment: This variant was observed in the ICSL laboratory as part of a predisposition screen in an ostensibly healthy population. It had not been previously curated by ICSL or reported in the Human Gene Mutation Database (HGMD: prior to June 1st, 2018), and was therefore a candidate for classification through an automated scoring system. Utilizing variant allele frequency, disease prevalence and penetrance estimates, and inheritance mode, an automated score was calculated to assess if this variant is too frequent to cause the disease. Based on the score and internal cut-off values, a variant classified as benign is not then subjected to further curation. The score for this variant resulted in a classification of benign for this disease.

Illumina Laboratory Services, Illumina
Classification: Benign for Insulin-resistant diabetes mellitus AND acanthosis nigricans. Last evaluated: 2018-01-12. Review status: criteria provided, single submitter. Criteria: ICSL Variant Classification Criteria 13 December 2019. Collection method: clinical testing. Allele origin: germline.
Comment: the same text as in the submission from Illumina Laboratory Services, Illumina above.

Illumina Laboratory Services, Illumina
Classification: Benign for Rabson-Mendenhall syndrome. Last evaluated: 2018-01-12. Review status: criteria provided, single submitter. Criteria: ICSL Variant Classification Criteria 13 December 2019. Collection method: clinical testing. Allele origin: germline.
Comment: the same text as in the submission from Illumina Laboratory Services, Illumina above.

Breakthrough Genomics
Classification: Benign. Review status: criteria provided, single submitter. Criteria: ACMG Guidelines, 2015. Collection method: not provided. Allele origin: germline. Inheritance: Autosomal recessive inheritance. Affected: yes.